The following is an entry in ClinVar:

ClinVar aggregate classification (germline): Uncertain significance (1 of 4 stars; one submission).

Conditions:
Charcot-Marie-Tooth disease type 2. Also called: Charcot-Marie-Tooth type 2. Identifiers: Orphanet 64746, MedGen C0270914, MONDO:0018993.

Allele frequency attached by ClinVar (database versions not stated): gnomAD 0.00002 and 0.00001; TOPMed 0.00002.
gnomAD v4.1: 49 of 1,604,014 alleles (0.0031%); highest among the groups gnomAD compares: East Asian, 0.05%; no homozygotes.

Submission:

Labcorp Genetics (formerly Invitae), Labcorp
Classification: Uncertain significance for Charcot-Marie-Tooth disease type 2. Last evaluated: 2022-07-25. Review status: criteria provided, single submitter. Criteria: Invitae Variant Classification Sherloc (09022015). Collection method: clinical testing. Allele origin: germline.
Comment: This sequence change replaces alanine, which is neutral and non-polar, with threonine, which is neutral and polar, at codon 706 of the MED25 protein (p.Ala706Thr). The frequency data for this variant in the population databases is considered unreliable, as metrics indicate poor data quality at this position in the gnomAD database. This variant has not been reported in the literature in individuals affected with MED25-related conditions. ClinVar contains an entry for this variant (Variation ID: 946481). Algorithms developed to predict the effect of missense changes on protein structure and function output the following: SIFT: "Tolerated"; PolyPhen-2: "Benign"; Align-GVGD: "Class C0". The threonine amino acid residue is found in multiple mammalian species, which suggests that this missense change does not adversely affect protein function. In summary, the available evidence is currently insufficient to determine the role of this variant in disease. Therefore, it has been classified as a Variant of Uncertain Significance.

NM_030973.4(MED25):c.2116G>A (p.Ala706Thr)

Gene: MED25 (mediator complex subunit 25; plus strand). Cytogenetic location: 19q13.33.
Variant type: single nucleotide variant.
Coding change: c.2116G>A on transcript NM_030973.4 (MANE Select); coding-DNA position 2116, G replaced by A.
Protein change: p.Ala706Thr; replaces alanine 706 with threonine.
Molecular consequence: missense variant.
Genome position (GRCh38, 1-based): chr19:49,836,376, G>A. VCF-style: chr19-49836376-G-A. GRCh37 (hg19) VCF-style: chr19-50339633-G-A.
Other names: c.2116G>A, p.Ala706Thr (NM_001378355.1); short protein forms A706T.
Identifiers: ClinVar variation 946481 (VCV000946481.5), dbSNP rs762953015, ClinGen allele CA9585478.